The following is an entry in ClinVar:

NM_000481.4(AMT):c.216_217del (p.Arg73fs)

Gene: AMT (aminomethyltransferase; minus strand). Cytogenetic location: 3p21.31.
Variant type: Microsatellite.
Coding change: c.216_217del on transcript NM_000481.4 (MANE Select); coding-DNA positions 216 to 217, 2 bases deleted (AC; older notation c.216_217delAC).
Protein change: p.Arg73fs; shifts the reading frame from arginine 73.
Molecular consequence: frameshift variant. On other transcripts: non-coding transcript variant (1), intron variant (1).
Genome position (GRCh38, 1-based): chr3:49,422,145-49,422,146, GT deleted on the plus strand (AC on the coding strand, the reverse complement: AMT is on the minus strand); deleting any 2 consecutive bases within chr3:49,422,145-49,422,151 gives the same sequence; the c. name uses the placement nearest the transcript's 3' end. VCF-style (leftmost placement, unchanged base first): chr3-49422144-CGT-C. GRCh37 (hg19) VCF-style: chr3-49459577-CGT-C.
Other names: c.211_212CA[2], p.Arg73Profs (NM_000481.3); c.216_217del, p.Arg73fs (NM_001164710.2, NM_001164712.2); c.90+211AC[2] (NM_001164711.2); c.216_217delAC (NM_000481.3); short protein forms R73fs.
Identifiers: ClinVar variation 4818424 (VCV004818424.1).

ClinVar aggregate classification (germline): Likely pathogenic (1 of 4 stars; one submission).

Conditions:
Glycine encephalopathy. Also called: Nonketotic hyperglycinemia; Non-ketotic hyperglycinemia. Identifiers: Orphanet 407, MedGen C0751748, MONDO:0011612, HP:0008288.

Submission:

Natera, Inc.
Classification: Likely pathogenic for Non-ketotic hyperglycinemia. Last evaluated: 2024-04-23. Review status: criteria provided, single submitter. Criteria: Natera Variant Classification Schema (03/2026). Collection method: clinical testing. Allele origin: germline.
Comment: The c.216_217delAC variant in AMT is a frameshift variant predicted to shift the reading frame beginning at codon 73 and leads to a stop codon 7 codons downstream. This variant is expected to result in nonsense mediated decay, truncation, or a dysfunctional protein product. This variant is rare in the general population with a frequency below the threshold expected for the associated phenotype(s). Given the available evidence, this variant is classified as Likely Pathogenic.